The following is an entry in ClinVar:

NM_001012426.2(FOXP4):c.1777A>T (p.Asn593Tyr)

Gene: FOXP4 (forkhead box P4; plus strand). Cytogenetic location: 6p21.1.
Variant type: single nucleotide variant.
Coding change: c.1777A>T on transcript NM_001012426.2 (MANE Select); coding-DNA position 1777, A replaced by T.
Protein change: p.Asn593Tyr; replaces asparagine 593 with tyrosine.
Molecular consequence: missense variant.
Genome position (GRCh38, 1-based): chr6:41,597,832, A>T. VCF-style: chr6-41597832-A-T. GRCh37 (hg19) VCF-style: chr6-41565570-A-T.
Other names: c.1771A>T, p.Asn591Tyr (NM_001012427.2); c.1741A>T, p.Asn581Tyr (NM_001405824.1); c.1681A>T, p.Asn561Tyr (NM_001405825.1); c.1645A>T, p.Asn549Tyr (NM_001405826.1); c.1738A>T, p.Asn580Tyr (NM_138457.3); short protein forms N549Y, N561Y, N580Y, N581Y, N591Y, N593Y.
Identifiers: ClinVar variation 4071697 (VCV004071697.1).

ClinVar aggregate classification (germline): Uncertain significance (1 of 4 stars; one submission).

gnomAD v4.1: 2 of 1,605,898 alleles (0.00012%); highest among the groups gnomAD compares: Non-Finnish European, 0.00017%; no homozygotes.

Submission:

GeneDx
Classification: Uncertain significance. Last evaluated: 2025-01-24. Review status: criteria provided, single submitter. Criteria: GeneDx Variant Classification Process June 2021. Collection method: clinical testing. Allele origin: germline. Affected: yes.
Comment: Not observed at significant frequency in large population cohorts (gnomAD); In silico analysis supports that this missense variant has a deleterious effect on protein structure/function; Has not been previously published as pathogenic or benign to our knowledge